The following is an entry in ClinVar:

ClinVar aggregate classification (germline): Likely benign. Review status: criteria provided, multiple submitters, no conflicts (2 of 4 stars). 2 submissions from 2 submitters: Likely benign (2). Last evaluated 2024-05-01.

gnomAD v4.1: 2 of 1,614,158 alleles (0.00012%); highest among the groups gnomAD compares: Non-Finnish European, 0.000085%; no homozygotes.

Submissions (2):

CeGaT Center for Human Genetics Tuebingen
Classification: Likely benign. Last evaluated: 2024-05-01. Review status: criteria provided, single submitter. Criteria: CeGaT Center For Human Genetics Tuebingen Variant Classification Criteria Version 2. Collection method: clinical testing. Allele origin: germline. Affected: yes. Observed: 1 variant allele.
Comment: EP300: PM2:Supporting, BP4, BP7

Blueprint Genetics
Classification: Likely benign. Last evaluated: 2022-12-20. Review status: criteria provided, single submitter. Criteria: ACMG Guidelines, 2015. Collection method: clinical testing. Allele origin: germline.

NM_001429.4(EP300):c.4731T>G (p.Ser1577=)

Gene: EP300 (EP300 lysine acetyltransferase; plus strand). Cytogenetic location: 22q13.2.
Variant type: single nucleotide variant.
Coding change: c.4731T>G on transcript NM_001429.4 (MANE Select); coding-DNA position 4731, T replaced by G.
Protein change: p.Ser1577=; no amino-acid change (serine 1577 retained).
Molecular consequence: synonymous variant.
Genome position (GRCh38, 1-based): chr22:41,173,736, T>G. VCF-style: chr22-41173736-T-G. GRCh37 (hg19) VCF-style: chr22-41569740-T-G.
Other names: c.4653T>G, p.Ser1551= (NM_001362843.2).
Identifiers: ClinVar variation 3239376 (VCV003239376.20), dbSNP rs752937751.